The following is an entry in ClinVar:

ClinVar aggregate classification (germline): Uncertain significance (1 of 4 stars; one submission).

Submission:

Labcorp Genetics (formerly Invitae), Labcorp
Classification: Uncertain significance. Last evaluated: 2025-04-08. Review status: criteria provided, single submitter. Criteria: Invitae Variant Classification Sherloc (09022015). Collection method: clinical testing. Allele origin: germline.
Comment: This sequence change falls in intron 7 of the PPM1F gene. It does not directly change the encoded amino acid sequence of the PPM1F protein. This variant is present in population databases (rs756141744, gnomAD 0.0009%). This variant has not been reported in the literature in individuals affected with PPM1F-related conditions. Experimental studies and prediction algorithms are not available or were not evaluated, and the effect of this variant on mRNA splicing is currently unknown. In summary, the available evidence is currently insufficient to determine the role of this variant in disease. Therefore, it has been classified as a Variant of Uncertain Significance.

NM_014634.4(PPM1F):c.986-19_987dup

Gene: PPM1F (protein phosphatase, Mg2+/Mn2+ dependent 1F; minus strand). Cytogenetic location: 22q11.22.
Variant type: Duplication.
Coding change: c.986-19_987dup on transcript NM_014634.4 (MANE Select); 19 bases into the intron before coding-DNA position 986 through coding-DNA position 987, 21 bases duplicated (CTCTTCTCCGCCTGTCCAGGG).
Molecular consequence: splice acceptor variant.
Genome position (GRCh38, 1-based): chr22:21,923,470-21,923,490, CCCTGGACAGGCGGAGAAGAG duplicated on the plus strand (CTCTTCTCCGCCTGTCCAGGG on the coding strand, the reverse complement: PPM1F is on the minus strand); duplicating any 21 consecutive bases within chr22:21,923,470-21,923,493 gives the same sequence; the c. name uses the placement nearest the transcript's 3' end. VCF-style (leftmost placement, unchanged base first): chr22-21923469-C-CCCCTGGACAGGCGGAGAAGAG. GRCh37 (hg19) VCF-style: chr22-22277842-C-CCCCTGGACAGGCGGAGAAGAG.
Other names: c.482-19_483dup (NM_001410836.1).
Identifiers: ClinVar variation 4763003 (VCV004763003.1).
Genomic context (GRCh38, chr22:21,923,469, plus strand): 5'-CCGTCAGCGCCCGGGAAGCTGCATCGGCCTCCCCAGACACGTAGGGCTTCTGGAAGACAT[C>CCCCTGGACAGGCGGAGAAGAG]CCCTGGACAGGCGGAGAAGAGCCCGGGTCAGAGGACCACGGTGTCCACAGCTTCCTCCCC-3'